The following is an entry in ClinVar:

ClinVar aggregate classification (germline): Pathogenic. Review status: criteria provided, multiple submitters, no conflicts (2 of 4 stars). 9 submissions from 9 submitters: Pathogenic (8). 1 of the submissions does not count toward it. Last evaluated 2025-07-14.

Conditions:
Gastric cancer. Also called: Malignant tumor of stomach; Stomach cancer. Identifiers: MedGen C0024623, MeSH D013274, MONDO:0001056, OMIM 613659, HP:0012126.
Hereditary cancer-predisposing syndrome. Also called: Tumor predisposition; Hereditary neoplastic syndrome; Hereditary Cancer Syndrome; Neoplastic Syndromes, Hereditary. Identifiers: Orphanet 140162, MedGen C0027672, MeSH D009386, MONDO:0015356.
Hereditary breast ovarian cancer syndrome. Also called: Hereditary breast and ovarian cancer syndrome; BRCA1- and BRCA2-Associated Hereditary Breast and Ovarian Cancer; Hereditary breast and/or ovarian cancer syndrome; Hereditary breast and ovarian cancer syndrome (HBOC); Breast and ovarian cancer; Hereditary breast and ovarian cancer. Identifiers: Orphanet 145, MedGen C0677776, MeSH D061325, MONDO:0003582. Disease mechanism: loss of function.
Familial cancer of breast. Also called: hereditary breast carcinoma; BREAST CANCER, FAMILIAL; Hereditary breast cancer. Identifiers: Orphanet 227535, MedGen C0346153, MONDO:0016419, OMIM 114480. Disease mechanism: loss of function.

Submissions (9):

Women's Health and Genetics/Laboratory Corporation of America, LabCorp
Classification: Pathogenic for Hereditary breast ovarian cancer syndrome. Last evaluated: 2025-07-14. Review status: criteria provided, single submitter. Criteria: LabCorp Variant Classification Summary - May 2015. Collection method: clinical testing. Allele origin: germline.
Comment: Variant summary: PALB2 c.886dupA (p.Met296AsnfsX7) results in a premature termination codon, predicted to cause absence of the protein due to nonsense mediated decay, which is a commonly known mechanism for disease. The variant was absent in 251348 control chromosomes. c.886dupA has been observed in individual(s) affected with Hereditary Breast And Ovarian Cancer Syndrome (examples, Lilyquist_2017 and Adedokun_2020). These data indicate that the variant may be associated with disease. To our knowledge, no experimental evidence demonstrating an impact on protein function has been reported. The following publications have been ascertained in the context of this evaluation (PMID: 31871109, 28888541). ClinVar contains an entry for this variant (Variation ID: 410157). Based on the evidence outlined above, the variant was classified as pathogenic.

GeneDx
Classification: Pathogenic. Last evaluated: 2024-12-16. Review status: criteria provided, single submitter. Criteria: GeneDx Variant Classification Process June 2021. Collection method: clinical testing. Allele origin: germline. Affected: yes.
Comment: Frameshift variant predicted to result in protein truncation or nonsense mediated decay in a gene for which loss-of-function is a known mechanism of disease; Truncating variants in this gene are considered pathogenic by a well-established clinical consortium and/or database; Not observed at significant frequency in large population cohorts (gnomAD); This variant is associated with the following publications: (PMID: 30377213, 31871109, 28888541)

CeGaT Center for Human Genetics Tuebingen
Classification: Pathogenic. Last evaluated: 2024-11-01. Review status: criteria provided, single submitter. Criteria: CeGaT Center For Human Genetics Tuebingen Variant Classification Criteria Version 2. Collection method: clinical testing. Allele origin: germline. Affected: yes. Observed: 1 variant allele.
Comment: PALB2: PVS1, PM2, PS4:Moderate, PS3:Supporting

Ambry Genetics
Classification: Pathogenic for Hereditary cancer-predisposing syndrome. Last evaluated: 2024-10-17. Review status: criteria provided, single submitter. Criteria: Ambry Variant Classification Scheme 2023. Collection method: clinical testing. Allele origin: germline.
Comment: The c.886dupA pathogenic mutation, located in coding exon 4 of the PALB2 gene, results from a duplication of A at nucleotide position 886, causing a translational frameshift with a predicted alternate stop codon (p.M296Nfs*7). This variant was observed as a somatic alteration in a breast tumor; functional analysis demonstrated a lack of protein expression, failure of recruitment to laser-induced DNA damage sites and lack of homologous repair activity (Castroviejo-Bermejo M et al. EMBO Mol Med, 2018 12;10:). This variant is considered to be rare based on population cohorts in the Genome Aggregation Database (gnomAD). In addition to the information presented in the literature, this alteration is expected to result in loss of function by premature protein truncation or nonsense-mediated mRNA decay. As such, this alteration is interpreted as a disease-causing mutation.

Labcorp Genetics (formerly Invitae), Labcorp
Classification: Pathogenic for Familial cancer of breast. Last evaluated: 2024-09-14. Review status: criteria provided, single submitter. Criteria: Invitae Variant Classification Sherloc (09022015). Collection method: clinical testing. Allele origin: germline.
Comment: This sequence change creates a premature translational stop signal (p.Met296Asnfs*7) in the PALB2 gene. It is expected to result in an absent or disrupted protein product. Loss-of-function variants in PALB2 are known to be pathogenic (PMID: 17200668, 17200671, 17200672, 24136930, 25099575). This variant is not present in population databases (gnomAD no frequency). This variant has not been reported in the literature in individuals affected with PALB2-related conditions. ClinVar contains an entry for this variant (Variation ID: 410157). For these reasons, this variant has been classified as Pathogenic.

Color Diagnostics, LLC DBA Color Health
Classification: Pathogenic for Hereditary cancer-predisposing syndrome. Last evaluated: 2023-11-21. Review status: criteria provided, single submitter. Criteria: ACMG Guidelines, 2015. Collection method: clinical testing. Allele origin: germline.
Comment: This variant inserts 1 nucleotide in exon 4 of the PALB2 gene, creating a frameshift and premature translation stop signal. This variant is expected to result in an absent or non-functional protein product. Functional assays performed on xenograft from a carrier of this variant showed defects in PALB2 protein expression, recruitment of RAD51 foci after DNA damage and in a homology-directed repair assay (PMID: 30377213). This variant has been reported in two individuals affected with breast cancer and another individual affected with personal and/or family history of breast cancer (PMID: 25099575, 31871109; DOI: 10.3934/genet.2015.4.263). This variant has not been identified in the general population by the Genome Aggregation Database (gnomAD). Loss of PALB2 function is a known mechanism of disease. Based on the available evidence, this variant is classified as Pathogenic.

Myriad Genetics, Inc.
Classification: Pathogenic for Familial cancer of breast. Last evaluated: 2023-09-07. Review status: criteria provided, single submitter. Criteria: Myriad Autosomal Dominant, Autosomal Recessive and X-Linked Classification Criteria (2023). Collection method: clinical testing. Allele origin: unknown.
Comment: This variant is considered pathogenic. This variant creates a frameshift predicted to result in premature protein truncation.

Baylor Genetics
Classification: Pathogenic for Familial cancer of breast. Last evaluated: 2023-05-28. Review status: criteria provided, single submitter. Criteria: ACMG Guidelines, 2015. Collection method: clinical testing. Allele origin: unknown.

Laboratory for Genotyping Development, RIKEN
Classification: Pathogenic for Gastric cancer. Last evaluated: 2021-07-01. Review status: no assertion criteria provided. Collection method: research. Allele origin: germline. Not counted in ClinVar's aggregate classification.

Literature cited by the submitters: PubMed 31871109 (cited by Women's Health and Genetics/Laboratory Corporation of America, LabCorp and Color Diagnostics, LLC DBA Color Health); PubMed 28888541 (cited by Women's Health and Genetics/Laboratory Corporation of America, LabCorp); PubMed 30377213 (cited by Ambry Genetics and Color Diagnostics, LLC DBA Color Health); PubMed 17200668 (cited by Labcorp Genetics (formerly Invitae), Labcorp); PubMed 17200671 (cited by Labcorp Genetics (formerly Invitae), Labcorp); PubMed 17200672 (cited by Labcorp Genetics (formerly Invitae), Labcorp); PubMed 24136930 (cited by Labcorp Genetics (formerly Invitae), Labcorp); PubMed 25099575 (cited by Labcorp Genetics (formerly Invitae), Labcorp and Color Diagnostics, LLC DBA Color Health); PubMed 36988593 (cited by Laboratory for Genotyping Development, RIKEN).

NM_024675.4(PALB2):c.886dup (p.Met296fs)

Gene: PALB2 (partner and localizer of BRCA2; minus strand). Cytogenetic location: 16p12.2.
Variant type: Duplication.
Coding change: c.886dup on transcript NM_024675.4 (MANE Select); coding-DNA position 886, one base duplicated (A; older notation c.886dupA).
Protein change: p.Met296fs; shifts the reading frame from methionine 296.
Molecular consequence: frameshift variant.
Genome position (GRCh38, 1-based): chr16:23,635,660, T duplicated on the plus strand (A on the coding strand, the reverse complement: PALB2 is on the minus strand); the first of 7 consecutive T bases (chr16:23,635,660-23,635,666); duplicating any one gives the same sequence. VCF-style (leftmost placement, unchanged base first): chr16-23635659-A-AT. GRCh37 (hg19) VCF-style: chr16-23646980-A-AT.
Other names: c.886dupA (NM_024675.4, NM_024675.3); short protein forms M296fs.
Identifiers: ClinVar variation 410157 (VCV000410157.60), dbSNP rs587776408, ClinGen allele CA16614863.
Genomic context (GRCh38, chr16:23,635,659, plus strand): 5'-GGCAGTTGGCCACTTTTACTTATAGCTTTATTTACAAGGAGGTTATCTGTAGAGACAGTC[A>AT]TTTTTTTGCCTTGTGCCTCCAAACTTACAGGTGAAGTAAATCTAATGTTTTTTAGGTCGT-3'